The following is an entry in ClinVar:

ClinVar aggregate classification (germline): Uncertain significance (1 of 4 stars; one submission).

Conditions:
Severe combined immunodeficiency due to CORO1A deficiency. Also called: IMMUNODEFICIENCY 8 WITH LYMPHOPROLIFERATION; Immunodeficiency 8. Identifiers: Orphanet 228003, MedGen C3809383, MONDO:0014168, OMIM 615401.

Allele frequency attached by ClinVar (database versions not stated): gnomAD exomes below 0.00001; TOPMed 0.00001.
gnomAD v4.1: 3 of 1,614,018 alleles (0.00019%); highest among the groups gnomAD compares: Admixed American, 0.0033%; no homozygotes.

Submission:

Labcorp Genetics (formerly Invitae), Labcorp
Classification: Uncertain significance for Severe combined immunodeficiency due to CORO1A deficiency. Last evaluated: 2023-10-03. Review status: criteria provided, single submitter. Criteria: Invitae Variant Classification Sherloc (09022015). Collection method: clinical testing. Allele origin: germline.
Comment: This sequence change replaces serine, which is neutral and polar, with cysteine, which is neutral and slightly polar, at codon 290 of the CORO1A protein (p.Ser290Cys). This variant is not present in population databases (gnomAD no frequency). This variant has not been reported in the literature in individuals affected with CORO1A-related conditions. ClinVar contains an entry for this variant (Variation ID: 949592). Advanced modeling of protein sequence and biophysical properties (such as structural, functional, and spatial information, amino acid conservation, physicochemical variation, residue mobility, and thermodynamic stability) performed at Invitae indicates that this missense variant is not expected to disrupt CORO1A protein function. In summary, the available evidence is currently insufficient to determine the role of this variant in disease. Therefore, it has been classified as a Variant of Uncertain Significance.

NM_007074.4(CORO1A):c.868A>T (p.Ser290Cys)

Gene: CORO1A (coronin 1A; plus strand). Cytogenetic location: 16p11.2.
Variant type: single nucleotide variant.
Coding change: c.868A>T on transcript NM_007074.4 (MANE Select); coding-DNA position 868, A replaced by T.
Protein change: p.Ser290Cys; replaces serine 290 with cysteine.
Molecular consequence: missense variant.
Genome position (GRCh38, 1-based): chr16:30,187,948, A>T. VCF-style: chr16-30187948-A-T. GRCh37 (hg19) VCF-style: chr16-30199269-A-T.
Other names: c.868A>T, p.Ser290Cys (NM_001193333.3); short protein forms S290C.
Identifiers: ClinVar variation 949592 (VCV000949592.10), dbSNP rs1185423790, ClinGen allele CA395497349.
Genomic context (GRCh38, chr16:30,187,948, plus strand): 5'-AGGGCAGTGGGCATCCGCTGGTATTGACCCTCCCTCCACACCTGCCACCTACAGGGTGAC[A>T]GCTCAATCCGGTACTTTGAGATCACTTCCGAGGCCCCTTTCCTGCACTATCTCTCCATGT-3'
Protein context (NP_009005.1, residues 280-300): NIVYLCGKGD[Ser290Cys]SIRYFEITSE